The following is an entry in ClinVar:

NM_000526.5(KRT14):c.996G>A (p.Ser332=)

Gene: KRT14 (keratin 14; minus strand). Cytogenetic location: 17q21.2.
Variant type: single nucleotide variant.
Coding change: c.996G>A on transcript NM_000526.5 (MANE Select); coding-DNA position 996, G replaced by A.
Protein change: p.Ser332=; no amino-acid change (serine 332 retained).
Molecular consequence: synonymous variant.
Genome position (GRCh38, 1-based): chr17:41,583,608, C>T on the plus strand (G>A on the coding strand, the complement: KRT14 is on the minus strand). VCF-style: chr17-41583608-C-T. GRCh37 (hg19) VCF-style: chr17-39739860-C-T.
Identifiers: ClinVar variation 3054745 (VCV003054745.2), dbSNP rs375184541, ClinGen allele CA8562543.

ClinVar aggregate classification (germline): Likely benign (0 of 4 stars; one submission).

Conditions:
KRT14-related disorder. Also called: KRT14-related condition.

Allele frequency attached by ClinVar (database versions not stated): gnomAD 0.00001; TOPMed 0.00003; ExAC 0.00005; gnomAD exomes 0.00005; ESP Exome Variant Server 0.00008.

Submission:

PreventionGenetics, part of Exact Sciences
Classification: Likely benign for KRT14-related condition. Last evaluated: 2024-02-15. Review status: no assertion criteria provided. Collection method: clinical testing. Allele origin: germline.
Comment: This variant is classified as likely benign based on ACMG/AMP sequence variant interpretation guidelines (Richards et al. 2015 PMID: 25741868, with internal and published modifications).